The following is an entry in ClinVar:

ClinVar aggregate classification (germline): Conflicting classifications of pathogenicity. Review status: criteria provided, conflicting classifications (1 of 4 stars). 17 submissions from 17 submitters: Likely pathogenic (2); Uncertain significance (6); Benign (6); Likely benign (2). 1 of the submissions does not count toward it. Last evaluated 2026-06-02.

Conditions:
OCA2-related disorder. Also called: OCA2-related condition.
SKIN/HAIR/EYE PIGMENTATION 1, BLUE/NONBLUE EYES (SHEP1). Also called: SKIN/HAIR/EYE PIGMENTATION 1, BLOND/BROWN HAIR; SKIN/HAIR/EYE PIGMENTATION 1, BLUE/BROWN EYES; BROWN EYE COLOR 2; EYE COLOR 3; EYE COLOR, BLUE/NONBLUE; EYE COLOR, BROWN/BLUE. Identifiers: MedGen C1856895, OMIM 227220.
Tyrosinase-positive oculocutaneous albinism (OCA2). Also called: Oculocutaneous albinism type 2; Albinism, oculocutaneous, type II; ALBINISM II. Identifiers: Orphanet 79432, MedGen C0268495, MONDO:0008746, OMIM 203200.

Allele frequency attached by ClinVar (database versions not stated): gnomAD exomes 0.00469 and 0.00838; 1000 Genomes Project 30x 0.00671; gnomAD 0.00674 and 0.00630; ExAC 0.00775; 1000 Genomes Project 0.00799; TOPMed 0.00258.

Submissions 1 to 10 of 17:

PreventionGenetics, part of Exact Sciences
Classification: Likely benign for OCA2-related condition. Last evaluated: 2026-06-02. Review status: criteria provided, single submitter. Criteria: ACMG Guidelines, 2015. Collection method: clinical testing. Allele origin: germline.
Comment: This variant is classified as likely benign based on ACMG/AMP sequence variant interpretation guidelines (Richards et al. 2015 PMID: 25741868, with internal and published modifications).

Labcorp Genetics (formerly Invitae), Labcorp
Classification: Benign. Last evaluated: 2026-02-01. Review status: criteria provided, single submitter. Criteria: Invitae Variant Classification Sherloc (09022015). Collection method: clinical testing. Allele origin: germline.

Women's Health and Genetics/Laboratory Corporation of America, LabCorp
Classification: Benign. Last evaluated: 2025-01-13. Review status: criteria provided, single submitter. Criteria: LabCorp Variant Classification Summary - May 2015. Collection method: clinical testing. Allele origin: germline.
Comment: Variant summary: OCA2 c.1441G>A (p.Ala481Thr) results in a non-conservative amino acid change located in the Citrate transporter-like domain (IPR004680) of the encoded protein sequence. Three of five in-silico tools predict a damaging effect of the variant on protein function. The variant allele was found at a frequency of 0.0084 in 251492 control chromosomes in the gnomAD database, including 53 homozygotes. The observed variant frequency is approximately 2 fold of the estimated maximal expected allele frequency for a pathogenic variant in OCA2 causing Oculocutaneous Albinism phenotype (0.0043). c.1441G>A has been reported as a common variant in East Asians and individuals with this variant may be less resistant to the stress of sunburn (Yuasa_2007). At least one publication reports experimental evidence evaluating an impact on protein function and reported the variant retained approximately 70-75% of wild-type protein function (Sviderskaya_1997).The following publications have been ascertained in the context of this evaluation (PMID: 8980282, 17568986). ClinVar contains an entry for this variant (Variation ID: 954). Based on the evidence outlined above, the variant was classified as benign.

3billion
Classification: Uncertain significance for Tyrosinase-positive oculocutaneous albinism. Last evaluated: 2025-01-09. Review status: criteria provided, single submitter. Criteria: ACMG Guidelines, 2015. Collection method: clinical testing. Allele origin: germline. Affected: yes.
Comment: The variant is observed in the gnomAD v4.1.0 dataset (total allele frequency: 0.489%). Predicted Consequence/Location: Missense variant Functional studies provide supporting evidence of the variant having a damaging effect on the gene or gene product (PMID: 17568986). In silico tool predictions suggest damaging effect of the variant on gene or gene product [REVEL: 0.72 (>=0.6, sensitivity 0.68 and specificity 0.92)]. The variant has been reported to be in trans with a pathogenic variant as either compound heterozygous or homozygous in at least one similarly affected unrelated individual (PMID: 31196117). The variant has been reported at least twice as benign with clinical assertions and evidence for the classification (ClinVar ID: VCV000000954). Therefore, this variant is classified as VUS according to the recommendation of ACMG/AMP guideline.

Laboratory of Genetic Epidemiology, Research Centre for Medical Genetics
Classification: Likely pathogenic for SKIN/HAIR/EYE PIGMENTATION 1, BLUE/NONBLUE EYES; Tyrosinase-positive oculocutaneous albinism. Last evaluated: 2025-01-01. Review status: criteria provided, single submitter. Criteria: ACMG Guidelines, 2015. Collection method: clinical testing. Allele origin: maternal. Inheritance: Autosomal recessive inheritance. Affected: yes. Observed: 1 compound heterozygote.
Comment: In total, the variant NM_000275.3:c.1441G>A was identified in 12 probands with diagnosis albinism, not in homozygous state. This variant has been previously reported in the literature multiple times (PMIDs: 10905897, 25809079, 37471664) and is listed in gnomAD v3.1.2 with allele frequency 0.05 in Europe (578/10614), in 20 cases in homozygous state. The variant c.1441G>A is characterized with ambiguous pathogenicity, which is supported by its high frequency in GnomAD and benign classification in East Asians (PMIDs: 25809079, 17568986), where homozygotes exhibit normal ethnic-matched pigmentation. Its association with lighter pigmentation and residual protein function led us to confirm OCA2 diagnosis in patients with c.1441G>A and pathogenic variants on the second allele. Taken together, the variant meets the following ACMG/AMP criteria and can be classified as likely pathogenic with BS1, PS3, PM3, PP4 criteria. While non-pathogenic in homozygosity, it contributes to mild OCA2 with a pathogenic allele on another allele, retaining ~70% wild-type activity (PMID: 8980282).

Blueprint Genetics
Classification: Uncertain significance. Last evaluated: 2024-11-26. Review status: criteria provided, single submitter. Criteria: ACMG Guidelines, 2015. Collection method: clinical testing. Allele origin: germline.

CeGaT Center for Human Genetics Tuebingen
Classification: Benign. Last evaluated: 2024-05-01. Review status: criteria provided, single submitter. Criteria: CeGaT Center For Human Genetics Tuebingen Variant Classification Criteria Version 2. Collection method: clinical testing. Allele origin: germline. Affected: yes. Observed: 3 variant alleles.
Comment: OCA2: BS1, BS2

MGZ Medical Genetics Center
Classification: Uncertain significance for Tyrosinase-positive oculocutaneous albinism. Last evaluated: 2022-07-12. Review status: criteria provided, single submitter. Criteria: ACMG Guidelines, 2015. Collection method: clinical testing. Allele origin: germline. Affected: yes. Observed: 2 variant alleles.
Comment: ACMG criteria applied: PS3_MOD, PM3, PP4, BS1

Genome-Nilou Lab
Classification: Uncertain significance for Tyrosinase-positive oculocutaneous albinism. Last evaluated: 2021-11-07. Review status: criteria provided, single submitter. Criteria: ACMG Guidelines, 2015. Collection method: clinical testing. Allele origin: germline. Affected: no.

Victorian Clinical Genetics Services, Murdoch Childrens Research Institute
Classification: Uncertain significance for Tyrosinase-positive oculocutaneous albinism. Last evaluated: 2021-05-06. Review status: criteria provided, single submitter. Criteria: ACMG Guidelines, 2015. Collection method: clinical testing. Allele origin: germline. Affected: yes.
Comment: Based on the classification scheme VCGS_Germline_v1.3.4, this variant is classified as VUS-3C. Following criteria are met: 0102 - Loss of function is a known mechanism of disease in this gene and is associated with brown oculocutaneous albinism and oculocutaneous, type II albinism (MIM#203200). (I) 0106 - This gene is associated with autosomal recessive disease. A single variant has been reported in two families with dominant oculocutaneous albinism (PMID: 32741191). (I) 0115 - Variants in this gene causing oculocutaneous albininism are known to have variable expressivity (PMID: 24518832). (I) 0200 - Variant is predicted to result in a missense amino acid change from alanine to threonine. (I) 0251 - This variant is heterozygous. (I) 0307 - Variant is present in gnomAD (v3) at a frequency >=0.05 in the European subpopulation (964 heterozygotes, 27 homozygotes). (SB) 0502 - Missense variant with conflicting in silico predictions and uninformative conservation. (I) 0600 - Variant is located in the annotated transmembrane helix within the permease P domain (NCBI). (I) 0705 - No comparable missense variants have previous evidence for pathogenicity. (I) 0808 - Previous reports of pathogenicity for this variant are conflicting. This variant has been reported as pathogenic and a VUS, but more recently as likely benign and benign (ClinVar, LOVD). The variant has been described as a polymorphism that may lower pigmentation in healthy individuals (PMID: 25809079, PMID: 31196117), but also as a pathogenic or hypomorphic allele (PMID: 31719542, PMID: 32741191). (I) 1010 - Functional evidence for this variant is inconclusive. Transfected cells demonstrated a reduction to 70% of wildtype enzyme activity (ClinVar, PMID: 8980282). (I) 1201 - Heterozygous variant detected in trans with a second likely pathogenic heterozygous variant (p.(Cys777Tyr)). (I) Legend: (SP) - Supporting pathogenic, (I) - Information, (SB) - Supporting benign

NM_000275.3(OCA2):c.1441G>A (p.Ala481Thr)

Gene: OCA2 (OCA2 melanosomal transmembrane protein; minus strand). Cytogenetic location: 15q13.1.
Variant type: single nucleotide variant.
Coding change: c.1441G>A on transcript NM_000275.3 (MANE Select); coding-DNA position 1441, G replaced by A.
Protein change: p.Ala481Thr; replaces alanine 481 with threonine.
Molecular consequence: missense variant.
Genome position (GRCh38, 1-based): chr15:27,983,407, C>T on the plus strand (G>A on the coding strand, the complement: OCA2 is on the minus strand). VCF-style: chr15-27983407-C-T. GRCh37 (hg19) VCF-style: chr15-28228553-C-T.
Other names: c.1369G>A, p.Ala457Thr (NM_001300984.2); short protein forms A481T, A457T.
Identifiers: ClinVar variation 954 (VCV000000954.77), dbSNP rs74653330, ClinGen allele CA251633.
Genomic context (GRCh38, chr15:27,983,407, plus strand): 5'-TCTTCCTCAGCTCTTGGTTGGAAACAATAATGACATTTGGAGGGTCCCCGATGGCAGTGG[C>T]AGCTCCTCCAATGTTTGTGAAGATCACTTCTGCAATCAGGACTTGTCTTGGATCAAGGTT-3'
Protein context (NP_000266.2, residues 471-491): EVIFTNIGGA[Ala481Thr]TAIGDPPNVI